The following is an entry in ClinVar:

ClinVar aggregate classification (germline): Uncertain significance (1 of 4 stars; one submission).

Conditions:
Ichthyosis linearis circumflexa. Identifiers: MedGen C0265962, MONDO:0043106, HP:0025810.

Submission:

Labcorp Genetics (formerly Invitae), Labcorp
Classification: Uncertain significance for Ichthyosis linearis circumflexa. Last evaluated: 2026-02-01. Review status: criteria provided, single submitter. Criteria: Invitae Variant Classification Sherloc (09022015). Collection method: clinical testing. Allele origin: germline.
Comment: This sequence change replaces arginine, which is basic and polar, with tryptophan, which is neutral and slightly polar, at codon 241 of the SPINK5 protein (p.Arg241Trp). This variant is present in population databases (rs547306035, gnomAD 0.003%). This variant has not been reported in the literature in individuals affected with SPINK5-related conditions. Invitae Evidence Modeling of protein sequence and biophysical properties (such as structural, functional, and spatial information, amino acid conservation, physicochemical variation, residue mobility, and thermodynamic stability) indicates that this missense variant is not expected to disrupt SPINK5 protein function with a negative predictive value of 80%. In summary, the available evidence is currently insufficient to determine the role of this variant in disease. Therefore, it has been classified as a Variant of Uncertain Significance.

NM_006846.4(SPINK5):c.721C>T (p.Arg241Trp)

Gene: SPINK5 (serine peptidase inhibitor Kazal type 5; plus strand). Cytogenetic location: 5q32.
Variant type: single nucleotide variant.
Coding change: c.721C>T on transcript NM_006846.4 (MANE Select); coding-DNA position 721, C replaced by T.
Protein change: p.Arg241Trp; replaces arginine 241 with tryptophan.
Molecular consequence: missense variant.
Genome position (GRCh38, 1-based): chr5:148,094,408, C>T. VCF-style: chr5-148094408-C-T. GRCh37 (hg19) VCF-style: chr5-147473971-C-T.
Other names: c.721C>T, p.Arg241Trp (NM_001127698.2, NM_001127699.2); short protein forms R241W.
Identifiers: ClinVar variation 4740717 (VCV004740717.1).
Genomic context (GRCh38, chr5:148,094,408, plus strand): 5'-TCAAAGGATTTTTGCAAGGAATATGAAAAACAAGTGAGAAATGGAAGGCTTTTTTGTACA[C>T]GGGAGAGTGATCCAGTCCGTGGCCCTGACGGCAGGATGCATGGCAACAAATGTGCCCTGT-3'
Protein context (NP_006837.2, residues 231-251): QVRNGRLFCT[Arg241Trp]ESDPVRGPDG